The following is an entry in ClinVar:

ClinVar aggregate classification (germline): Benign/Likely benign. Review status: criteria provided, multiple submitters, no conflicts (2 of 4 stars). 9 submissions from 6 submitters: Benign (1); Likely benign (6). 2 of the submissions do not count toward it. Last evaluated 2026-01-26.

Conditions:
Age related macular degeneration 4. Identifiers: MedGen C1853147, MONDO:0012540, OMIM 610698.
Hemolytic uremic syndrome, atypical, susceptibility to, 1. Also called: AHUS, SUSCEPTIBILITY TO, 1. Identifiers: Orphanet 2134, Orphanet 90038, MedGen C2749604, MONDO:0009335, OMIM 235400. Disease mechanism: Other.
Factor H deficiency (CFHD). Also called: COMPLEMENT FACTOR H DEFICIENCY; CFH DEFICIENCY. Identifiers: Orphanet 200421, MedGen C0398777, MONDO:0012350, OMIM 609814.
Basal laminar drusen. Also called: DRUSEN OF BRUCH MEMBRANE; DRUSEN, CUTICULAR; DRUSEN, EARLY ADULT-ONSET, GROUPED. Identifiers: Orphanet 75376, MedGen C0730295, MONDO:0007472, OMIM 126700.

Allele frequency attached by ClinVar (database versions not stated): gnomAD exomes 0.00015 and 0.00034; ExAC 0.00039; 1000 Genomes Project 0.00060; 1000 Genomes Project 30x 0.00062; gnomAD 0.00121 and 0.00129; TOPMed 0.00153; ESP Exome Variant Server 0.00185.
gnomAD v4.1: 414 of 1,612,442 alleles (0.026%); highest among the groups gnomAD compares: African/African-American, 0.4%; no homozygotes.

Submissions (9):

Labcorp Genetics (formerly Invitae), Labcorp
Classification: Benign. Last evaluated: 2026-01-26. Review status: criteria provided, single submitter. Criteria: Invitae Variant Classification Sherloc (09022015). Collection method: clinical testing. Allele origin: germline.

Blueprint Genetics
Classification: Likely benign. Last evaluated: 2024-04-24. Review status: criteria provided, single submitter. Criteria: ACMG Guidelines, 2015. Collection method: clinical testing. Allele origin: germline.

Genome-Nilou Lab
Classification: Likely benign for Hemolytic uremic syndrome, atypical, susceptibility to, 1. Last evaluated: 2023-04-11. Review status: criteria provided, single submitter. Criteria: ACMG Guidelines, 2015. Collection method: clinical testing. Allele origin: germline. Affected: no.

Genome-Nilou Lab
Classification: Likely benign for Age related macular degeneration 4. Last evaluated: 2023-04-11. Review status: criteria provided, single submitter. Criteria: ACMG Guidelines, 2015. Collection method: clinical testing. Allele origin: germline. Affected: no.

Genome-Nilou Lab
Classification: Likely benign for Basal laminar drusen. Last evaluated: 2023-04-11. Review status: criteria provided, single submitter. Criteria: ACMG Guidelines, 2015. Collection method: clinical testing. Allele origin: germline. Affected: no.

Genome-Nilou Lab
Classification: Likely benign for Factor H deficiency. Last evaluated: 2023-04-11. Review status: criteria provided, single submitter. Criteria: ACMG Guidelines, 2015. Collection method: clinical testing. Allele origin: germline. Affected: no.

CeGaT Center for Human Genetics Tuebingen
Classification: Likely benign. Last evaluated: 2022-10-01. Review status: criteria provided, single submitter. Criteria: CeGaT Center For Human Genetics Tuebingen Variant Classification Criteria Version 2. Collection method: clinical testing. Allele origin: germline. Affected: yes. Observed: 1 variant allele.
Comment: CFH: BP4, BP7

Clinical Genetics DNA and cytogenetics Diagnostics Lab, Erasmus MC, Erasmus Medical Center
Classification: Likely benign. Review status: no assertion criteria provided. Collection method: clinical testing. Allele origin: germline. Affected: yes. Study: VKGL Data-share Consensus. Not counted in ClinVar's aggregate classification.

Genome Diagnostics Laboratory, University Medical Center Utrecht
Classification: Likely benign. Review status: no assertion criteria provided. Collection method: clinical testing. Allele origin: germline. Affected: yes. Study: VKGL Data-share Consensus. Not counted in ClinVar's aggregate classification.

NM_000186.4(CFH):c.1707C>T (p.Cys569=)

Gene: CFH (complement factor H; plus strand). Cytogenetic location: 1q31.3.
Variant type: single nucleotide variant.
Coding change: c.1707C>T on transcript NM_000186.4 (MANE Select); coding-DNA position 1707, C replaced by T.
Protein change: p.Cys569=; no amino-acid change (cysteine 569 retained).
Molecular consequence: synonymous variant.
Genome position (GRCh38, 1-based): chr1:196,725,131, C>T. VCF-style: chr1-196725131-C-T. GRCh37 (hg19) VCF-style: chr1-196694261-C-T.
Identifiers: ClinVar variation 722920 (VCV000722920.35), dbSNP rs144976181, ClinGen allele CA1305467.
Genomic context (GRCh38, chr1:196,725,131, plus strand): 5'-TGGCAATGATTAATTATATATTCTCATGAAATTATTTTACCTTTTTCAAGAAAGAGAATG[C>T]GAACTTCCTAAAATAGATGTACACTTAGTTCCTGATCGCAAGAAAGACCAGTATAAAGTT-3'
Protein context (NP_000177.2, residues 559-579): SDLPICYERE[Cys569=]ELPKIDVHLV